The following is an entry in ClinVar:

ClinVar aggregate classification (germline): Uncertain significance (1 of 4 stars; one submission).

Conditions:
Autosomal dominant nonsyndromic hearing loss 1. Also called: DEAFNESS, AUTOSOMAL DOMINANT 1, WITH OR WITHOUT THROMBOCYTOPENIA; KONIGSMARK SYNDROME. Identifiers: Orphanet 90635, MedGen C1852282, MONDO:0007424, OMIM 124900.
Progressive microcephaly-seizures-cortical blindness-developmental delay syndrome. Also called: Seizures, cortical blindness, and microcephaly syndrome. Identifiers: Orphanet 477814, MedGen C5567650, MONDO:0014714, OMIM 616632.

Allele frequency attached by ClinVar (database versions not stated): gnomAD exomes below 0.00001; gnomAD 0.00001.
gnomAD v4.1: 3 of 1,613,986 alleles (0.00019%); highest among the groups gnomAD compares: Non-Finnish European, 0.00025%; no homozygotes.

Submission:

Labcorp Genetics (formerly Invitae), Labcorp
Classification: Uncertain significance for Progressive microcephaly-seizures-cortical blindness-developmental delay syndrome; Autosomal dominant nonsyndromic hearing loss 1. Last evaluated: 2021-12-02. Review status: criteria provided, single submitter. Criteria: Invitae Variant Classification Sherloc (09022015). Collection method: clinical testing. Allele origin: germline.
Comment: In summary, the available evidence is currently insufficient to determine the role of this variant in disease. Therefore, it has been classified as a Variant of Uncertain Significance. Algorithms developed to predict the effect of missense changes on protein structure and function (SIFT, PolyPhen-2, Align-GVGD) all suggest that this variant is likely to be tolerated. This variant has not been reported in the literature in individuals affected with DIAPH1-related conditions. This variant is not present in population databases (gnomAD no frequency). This sequence change replaces glutamic acid, which is acidic and polar, with glutamine, which is neutral and polar, at codon 1184 of the DIAPH1 protein (p.Glu1184Gln).

NM_005219.5(DIAPH1):c.3550G>C (p.Glu1184Gln)

Gene: DIAPH1 (diaphanous related formin 1; minus strand). Cytogenetic location: 5q31.3.
Variant type: single nucleotide variant.
Coding change: c.3550G>C on transcript NM_005219.5 (MANE Select); coding-DNA position 3550, G replaced by C.
Protein change: p.Glu1184Gln; replaces glutamic acid 1184 with glutamine.
Molecular consequence: missense variant.
Genome position (GRCh38, 1-based): chr5:141,526,062, C>G on the plus strand (G>C on the coding strand, the complement: DIAPH1 is on the minus strand). VCF-style: chr5-141526062-C-G. GRCh37 (hg19) VCF-style: chr5-140905629-C-G.
Other names: c.3523G>C, p.Glu1175Gln (NM_001079812.3); c.3550G>C, p.Glu1184Gln (NM_001314007.2); short protein forms E1175Q, E1184Q.
Identifiers: ClinVar variation 1390954 (VCV001390954.6), dbSNP rs1355259448, ClinGen allele CA361576817.